The following is an entry in ClinVar:

NM_032447.5(FBN3):c.7454-1G>A

Gene: FBN3 (fibrillin 3; minus strand). Cytogenetic location: 19p13.2.
Variant type: single nucleotide variant.
Coding change: c.7454-1G>A on transcript NM_032447.5 (MANE Select); the canonical splice acceptor site of the intron before coding-DNA position 7454, G replaced by A.
Molecular consequence: splice acceptor variant.
Genome position (GRCh38, 1-based): chr19:8,075,412, C>T on the plus strand (G>A on the coding strand, the complement: FBN3 is on the minus strand). VCF-style: chr19-8075412-C-T. GRCh37 (hg19) VCF-style: chr19-8140296-C-T.
Other names: c.7454-1G>A (NM_001321431.2).
Identifiers: ClinVar variation 2857479 (VCV002857479.3), dbSNP rs1196062016, ClinGen allele CA403702705.

ClinVar aggregate classification (germline): Uncertain significance (1 of 4 stars; one submission).

Allele frequency attached by ClinVar (database versions not stated): gnomAD exomes below 0.00001.
gnomAD v4.1: 3 of 1,612,244 alleles (0.00019%); highest among the groups gnomAD compares: Non-Finnish European, 0.000085%; no homozygotes.

Submission:

Labcorp Genetics (formerly Invitae), Labcorp
Classification: Uncertain significance. Last evaluated: 2023-05-04. Review status: criteria provided, single submitter. Criteria: Invitae Variant Classification Sherloc (09022015). Collection method: clinical testing. Allele origin: germline.
Comment: In summary, the available evidence is currently insufficient to determine the role of this variant in disease. Therefore, it has been classified as a Variant of Uncertain Significance. Algorithms developed to predict the effect of sequence changes on RNA splicing suggest that this variant may disrupt the consensus splice site. This variant has not been reported in the literature in individuals affected with FBN3-related conditions. This variant is present in population databases (no rsID available, gnomAD 0.005%). This sequence change affects an acceptor splice site in intron 59 of the FBN3 gene. It is expected to disrupt RNA splicing. Variants that disrupt the donor or acceptor splice site typically lead to a loss of protein function (PMID: 16199547), however the current clinical and genetic evidence is not sufficient to establish whether loss-of-function variants in FBN3 cause disease.

Literature cited by the submitters: PubMed 16199547.